The following is an entry in ClinVar:

NM_152281.3(GORAB):c.453del (p.Glu152fs)

Gene: GORAB (golgin, RAB6 interacting; plus strand). Cytogenetic location: 1q24.2.
Variant type: Deletion.
Coding change: c.453del on transcript NM_152281.3 (MANE Select); coding-DNA position 453, one base deleted (A; older notation c.453delA).
Protein change: p.Glu152fs; shifts the reading frame from glutamic acid 152.
Molecular consequence: frameshift variant. On other transcripts: 5 prime UTR variant (1), non-coding transcript variant (1).
Genome position (GRCh38, 1-based): chr1:170,542,524, A deleted; the last of 2 consecutive A bases (chr1:170,542,523-170,542,524); deleting either gives the same sequence. VCF-style (leftmost placement, unchanged base first): chr1-170542522-CA-C. GRCh37 (hg19) VCF-style: chr1-170511663-CA-C.
Other names: c.453del, p.Glu152fs (NM_001146039.2); c.-13del (NM_001320252.2); c.402del, p.Glu135fs (NM_001410894.1); short protein forms E135fs, E152fs.
Identifiers: ClinVar variation 2700677 (VCV002700677.3), dbSNP rs2525941193, ClinGen allele CA2697554653.
Genomic context (GRCh38, chr1:170,542,522, plus strand): 5'-CTCATTTTTATGCTTTTTTTGCCCCCTAGGCAAGAAAAATCTCGTTGGGAAGTCCTCCAA[CA>C]AGAACAACGGCTAATGGAAGAGAAAAATAAACGTAAAAAAGCTCTTTTGGCTAAAGCTAT-3'

ClinVar aggregate classification (germline): Pathogenic (1 of 4 stars; one submission).

Submission:

Labcorp Genetics (formerly Invitae), Labcorp
Classification: Pathogenic. Last evaluated: 2023-12-03. Review status: criteria provided, single submitter. Criteria: Invitae Variant Classification Sherloc (09022015). Collection method: clinical testing. Allele origin: germline.
Comment: This sequence change creates a premature translational stop signal (p.Glu177Asnfs*4) in the GORAB gene. It is expected to result in an absent or disrupted protein product. Loss-of-function variants in GORAB are known to be pathogenic (PMID: 18997784, 19681135). This variant is not present in population databases (gnomAD no frequency). This variant has not been reported in the literature in individuals affected with GORAB-related conditions. For these reasons, this variant has been classified as Pathogenic.

Literature cited by the submitters: PubMed 18997784; PubMed 19681135.